The following is an entry in ClinVar:

ClinVar aggregate classification (germline): Uncertain significance (1 of 4 stars; one submission).

Conditions:
Charcot-Marie-Tooth disease type 2. Also called: Charcot-Marie-Tooth type 2. Identifiers: Orphanet 64746, MedGen C0270914, MONDO:0018993.

Submission:

Labcorp Genetics (formerly Invitae), Labcorp
Classification: Uncertain significance for Charcot-Marie-Tooth disease type 2. Last evaluated: 2020-03-25. Review status: criteria provided, single submitter. Criteria: Invitae Variant Classification Sherloc (09022015). Collection method: clinical testing. Allele origin: germline.
Comment: This sequence change results in a frameshift in the MED25 gene (p.Gly716Argfs*?). While this is not anticipated to result in nonsense mediated decay, it is expected to disrupt the last 32 amino acids of the MED25 protein and extend the protein by an uncertain number of additional amino acids. This variant is not present in population databases (ExAC no frequency). This variant has not been reported in the literature in individuals with MED25-related conditions. Experimental studies and prediction algorithms are not available or were not evaluated, and the functional significance of this variant is currently unknown. In summary, the available evidence is currently insufficient to determine the role of this variant in disease. Therefore, it has been classified as a Variant of Uncertain Significance.

NM_030973.4(MED25):c.2144dup (p.Gly716fs)

Gene: MED25 (mediator complex subunit 25; plus strand). Cytogenetic location: 19q13.33.
Variant type: Duplication.
Coding change: c.2144dup on transcript NM_030973.4 (MANE Select); coding-DNA position 2144, one base duplicated (C; older notation c.2144dupC).
Protein change: p.Gly716fs; shifts the reading frame from glycine 716.
Molecular consequence: frameshift variant.
Genome position (GRCh38, 1-based): chr19:49,836,404, C duplicated; the last of 2 consecutive C bases (chr19:49,836,403-49,836,404); duplicating either gives the same sequence. VCF-style (leftmost placement, unchanged base first): chr19-49836402-G-GC. GRCh37 (hg19) VCF-style: chr19-50339659-G-GC.
Other names: c.2144dup, p.Ala716fs (NM_001378355.1); short protein forms A716fs, G716fs.
Identifiers: ClinVar variation 1000424 (VCV001000424.4), dbSNP rs1568625990, ClinGen allele CA633894307.